The following is an entry in ClinVar:

ClinVar aggregate classification (germline): Uncertain significance. Review status: criteria provided, multiple submitters, no conflicts (2 of 4 stars). 2 submissions from 2 submitters: Uncertain significance (2). Last evaluated 2023-10-24.

Conditions:
Familial melanoma. Also called: Hereditary melanoma; Hereditary cutaneous melanoma. Identifiers: Orphanet 618, MedGen C1512419, MONDO:0018961.
Hereditary cancer-predisposing syndrome. Also called: Neoplastic Syndromes, Hereditary; Tumor predisposition; Hereditary Cancer Syndrome; Hereditary neoplastic syndrome. Identifiers: Orphanet 140162, MedGen C0027672, MeSH D009386, MONDO:0015356.

Submissions (2):

Labcorp Genetics (formerly Invitae), Labcorp
Classification: Uncertain significance for Familial melanoma. Last evaluated: 2023-10-24. Review status: criteria provided, single submitter. Criteria: Invitae Variant Classification Sherloc (09022015). Collection method: clinical testing. Allele origin: germline.
Comment: This sequence change replaces glutamic acid, which is acidic and polar, with glycine, which is neutral and non-polar, at codon 266 of the CDK4 protein (p.Glu266Gly). This variant is not present in population databases (gnomAD no frequency). This variant has not been reported in the literature in individuals affected with CDK4-related conditions. ClinVar contains an entry for this variant (Variation ID: 1761447). Advanced modeling of protein sequence and biophysical properties (such as structural, functional, and spatial information, amino acid conservation, physicochemical variation, residue mobility, and thermodynamic stability) performed at Invitae indicates that this missense variant is not expected to disrupt CDK4 protein function with a negative predictive value of 95%. Algorithms developed to predict the effect of sequence changes on RNA splicing suggest that this variant may disrupt the consensus splice site. In summary, the available evidence is currently insufficient to determine the role of this variant in disease. Therefore, it has been classified as a Variant of Uncertain Significance.

Ambry Genetics
Classification: Uncertain significance for Hereditary cancer-predisposing syndrome. Last evaluated: 2021-09-01. Review status: criteria provided, single submitter. Criteria: Ambry Variant Classification Scheme 2023. Collection method: clinical testing. Allele origin: germline.
Comment: The p.E266G variant (also known as c.797A>G), located in coding exon 6 of the CDK4 gene, results from an A to G substitution at nucleotide position 797. The glutamic acid at codon 266 is replaced by glycine, an amino acid with similar properties. This amino acid position is well conserved in available vertebrate species. In addition, this alteration is predicted to be tolerated by in silico analysis. Since supporting evidence is limited at this time, the clinical significance of this alteration remains unclear.

NM_000075.4(CDK4):c.797A>G (p.Glu266Gly)

Genes: TSPAN31 (tetraspanin 31; plus strand), CDK4 (cyclin dependent kinase 4; minus strand). Cytogenetic location: 12q14.1.
Variant type: single nucleotide variant.
Coding change: c.797A>G on transcript NM_000075.4 (MANE Select); coding-DNA position 797, A replaced by G.
Protein change: p.Glu266Gly; replaces glutamic acid 266 with glycine.
Molecular consequence: missense variant. On other transcripts: 3 prime UTR variant (3).
Genome position (GRCh38, 1-based): chr12:57,749,204, T>C on the plus strand (A>G on the coding strand, the complement: CDK4 is on the minus strand). VCF-style: chr12-57749204-T-C. GRCh37 (hg19) VCF-style: chr12-58142987-T-C.
Other names: c.*1914T>C (NM_001330168.2, NM_001330169.2, NM_005981.5); short protein forms E266G.
Identifiers: ClinVar variation 1761447 (VCV001761447.5), dbSNP rs2540895751, ClinGen allele CA385543028.